The following is an entry in ClinVar:

ClinVar aggregate classification (germline): Pathogenic (1 of 4 stars; one submission).

Conditions:
Arrhythmogenic right ventricular dysplasia 9 (ARVD9). Also called: Arrhythmogenic Right Ventricular Dysplasia/Cardiomyopathy 9; ARRHYTHMOGENIC RIGHT VENTRICULAR DYSPLASIA, FAMILIAL, 9. Identifiers: MedGen C1836906, MONDO:0012180, OMIM 609040.

Submission:

Labcorp Genetics (formerly Invitae), Labcorp
Classification: Pathogenic for Arrhythmogenic right ventricular dysplasia 9. Last evaluated: 2022-07-17. Review status: criteria provided, single submitter. Criteria: Invitae Variant Classification Sherloc (09022015). Collection method: clinical testing. Allele origin: germline.
Comment: This sequence change creates a premature translational stop signal (p.Trp678*) in the PKP2 gene. It is expected to result in an absent or disrupted protein product. Loss-of-function variants in PKP2 are known to be pathogenic (PMID: 15489853, 23911551). This variant is not present in population databases (gnomAD no frequency). This premature translational stop signal has been observed in individual(s) with arrhythmogenic right ventricular cardiomyopathy (PMID: 23871674). For these reasons, this variant has been classified as Pathogenic.

Literature cited by the submitters: PubMed 15489853; PubMed 23911551; PubMed 23871674.

NM_001005242.3(PKP2):c.1901G>A (p.Trp634Ter)

Gene: PKP2 (plakophilin 2; minus strand). Cytogenetic location: 12p11.21.
Variant type: single nucleotide variant.
Coding change: c.1901G>A on transcript NM_001005242.3 (MANE Select); coding-DNA position 1901, G replaced by A.
Protein change: p.Trp634Ter; replaces tryptophan 634 with a stop codon.
Molecular consequence: nonsense.
Genome position (GRCh38, 1-based): chr12:32,821,468, C>T on the plus strand (G>A on the coding strand, the complement: PKP2 is on the minus strand). VCF-style: chr12-32821468-C-T. GRCh37 (hg19) VCF-style: chr12-32974402-C-T.
Other names: c.1901G>A, p.Trp634Ter (NM_001407155.1, NM_001407161.1); c.1736G>A, p.Trp579Ter (NM_001407156.1); c.2033G>A, p.Trp678Ter (NM_001407157.1, NM_004572.4); c.1574G>A, p.Trp525Ter (NM_001407158.1, NM_001407159.1, NM_001407160.1 and 1 more transcripts); short protein forms W579*, W678*, W525*, W634*.
Identifiers: ClinVar variation 2017792 (VCV002017792.4), dbSNP rs1555142907, ClinGen allele CA384361895.